The following is an entry in ClinVar:

ClinVar aggregate classification (germline): Uncertain significance (1 of 4 stars; one submission).

Conditions:
Immunodeficiency 51 (IMD51). Also called: CANDIDIASIS, FAMILIAL, 5. Identifiers: Orphanet 1334, MedGen C4310803, MONDO:0013500, OMIM 613953.

Allele frequency attached by ClinVar (database versions not stated): gnomAD exomes below 0.00001.

Submission:

Center for Genomics, Ann and Robert H. Lurie Children's Hospital of Chicago
Classification: Uncertain significance for Immunodeficiency 51. Last evaluated: 2021-03-30. Review status: criteria provided, single submitter. Criteria: ACMG Guidelines, 2015. Collection method: clinical testing. Allele origin: germline.
Comment: IL17RA NM_014339.6 exon 13 p.Lys442* (c.1323dupT): This variant has not been reported in the literature and is present in 0.0009% (1/112108) of European alleles in the Genome Aggregation Database. Evolutionary conservation and computational predictive tools for this variant are limited or unavailable. This variant creates a premature stop at this codon which results in an absent or abnormal protein. However, this variant occurs within the last exon of this gene; due to its position, it is possible that this protein may escape nonsense mediated decay. Further studies are needed to understand its impact. In summary, data on this variant is insufficient for disease classification. Therefore, the clinical significance of this variant is uncertain.

NM_014339.7(IL17RA):c.1323dup (p.Lys442Ter)

Gene: IL17RA (interleukin 17 receptor A; plus strand). Cytogenetic location: 22q11.1.
Variant type: Duplication.
Coding change: c.1323dup on transcript NM_014339.7 (MANE Select); coding-DNA position 1323, one base duplicated (T; older notation c.1323dupT).
Protein change: p.Lys442Ter; replaces lysine 442 with a stop codon.
Molecular consequence: nonsense.
Genome position (GRCh38, 1-based): chr22:17,108,542, T duplicated. VCF-style (leftmost placement, unchanged base first): chr22-17108541-C-CT. GRCh37 (hg19) VCF-style: chr22-17589431-C-CT.
Other names: c.1221dup, p.Lys408Ter (NM_001289905.2); short protein forms K408*, K442*.
Identifiers: ClinVar variation 625963 (VCV000625963.2), dbSNP rs1568923319, ClinGen allele CA638501112.